The following is an entry in ClinVar:

NM_201384.3(PLEC):c.1088C>T (p.Pro363Leu)

Gene: PLEC (plectin; minus strand). Cytogenetic location: 8q24.3.
Variant type: single nucleotide variant.
Coding change: c.1088C>T on transcript NM_201384.3 (MANE Select); coding-DNA position 1088, C replaced by T.
Protein change: p.Pro363Leu; replaces proline 363 with leucine.
Molecular consequence: missense variant.
Genome position (GRCh38, 1-based): chr8:143,934,399, G>A on the plus strand (C>T on the coding strand, the complement: PLEC is on the minus strand). VCF-style: chr8-143934399-G-A. GRCh37 (hg19) VCF-style: chr8-145008567-G-A.
Other names: c.1169C>T, p.Pro390Leu (NM_000445.5); c.1046C>T, p.Pro349Leu (NM_201378.4); c.1022C>T, p.Pro341Leu (NM_201379.3); c.1499C>T, p.Pro500Leu (NM_201380.4); c.992C>T, p.Pro331Leu (NM_201381.3); c.1088C>T, p.Pro363Leu (NM_201382.4); c.1100C>T, p.Pro367Leu (NM_201383.3); short protein forms P331L, P341L, P349L, P363L, P367L, P390L, P500L.
Identifiers: ClinVar variation 1003112 (VCV001003112.8), dbSNP rs782699072, ClinGen allele CA4928173.
Genomic context (GRCh38, chr8:143,934,399, plus strand): 5'-TGCTTCTCCCGCTCCAGGATGGCCACGTGCAGCTTGCCCCACTCCTTCTCCACATCCAGC[G>A]GGTGGTAGCCAGGGGGCACCTTGAGCTGGCCTGCTTGCACCGCTCCCTGTAGACAGGGGC-3'
Protein context (NP_958786.1, residues 353-373): GQLKVPPGYH[Pro363Leu]LDVEKEWGKL

ClinVar aggregate classification (germline): Uncertain significance. Review status: criteria provided, multiple submitters, no conflicts (2 of 4 stars). 2 submissions from 2 submitters: Uncertain significance (2). Last evaluated 2022-02-03.

Conditions:
Epidermolysis bullosa simplex 5B, with muscular dystrophy (EBS5B). Also called: Epidermolysis bullosa simplex with muscular dystrophy; EPIDERMOLYSIS BULLOSA SIMPLEX AND LIMB-GIRDLE MUSCULAR DYSTROPHY. Identifiers: Orphanet 257, MedGen C2931072, MONDO:0009181, OMIM 226670.
Epidermolysis bullosa simplex, Ogna type (EBS5A). Also called: Pidermolysis bullosa simplex 5A, Ogna type; EPIDERMOLYSIS BULLOSA SIMPLEX 5A, OGNA TYPE. Identifiers: Orphanet 79401, MedGen C0432317, MONDO:0007555, OMIM 131950.
Epidermolysis bullosa simplex 5C, with pyloric atresia (EBS5C). Also called: PLEC-Related Epidermolysis Bullosa with Pyloric Atresia; Epidermolysis bullosa simplex with pyloric atresia; PLEC1-Related Epidermolysis Bullosa with Pyloric Atresia. Identifiers: Orphanet 158684, MedGen C2677349, MONDO:0012807, OMIM 612138.
Autosomal recessive limb-girdle muscular dystrophy type 2Q (LGMDR17). Also called: MUSCULAR DYSTROPHY, LIMB-GIRDLE, AUTOSOMAL RECESSIVE 17. Identifiers: Orphanet 254361, MedGen C3150989, MONDO:0013390, OMIM 613723.
Epidermolysis bullosa simplex with nail dystrophy (EBS5D). Identifiers: MedGen C4225309, MONDO:0014661, OMIM 616487.

Allele frequency attached by ClinVar (database versions not stated): TOPMed below 0.00001; gnomAD 0.00001; gnomAD exomes 0.00002; ExAC 0.00003.
gnomAD v4.1: 10 of 1,612,242 alleles (0.00062%); highest among the groups gnomAD compares: South Asian, 0.0044%; no homozygotes.

Submissions (2):

Labcorp Genetics (formerly Invitae), Labcorp
Classification: Uncertain significance for Autosomal recessive limb-girdle muscular dystrophy type 2Q; Epidermolysis bullosa simplex, Ogna type; Epidermolysis bullosa simplex with nail dystrophy; Epidermolysis bullosa simplex 5C, with pyloric atresia; Epidermolysis bullosa simplex 5B, with muscular dystrophy. Last evaluated: 2022-02-03. Review status: criteria provided, single submitter. Criteria: Invitae Variant Classification Sherloc (09022015). Collection method: clinical testing. Allele origin: germline.
Comment: In summary, the available evidence is currently insufficient to determine the role of this variant in disease. Therefore, it has been classified as a Variant of Uncertain Significance. Algorithms developed to predict the effect of missense changes on protein structure and function are either unavailable or do not agree on the potential impact of this missense change (SIFT: "Deleterious"; PolyPhen-2: "Not Available"; Align-GVGD: "Class C0"). ClinVar contains an entry for this variant (Variation ID: 1003112). This variant has not been reported in the literature in individuals affected with PLEC-related conditions. This variant is present in population databases (rs782699072, gnomAD 0.01%). This sequence change replaces proline, which is neutral and non-polar, with leucine, which is neutral and non-polar, at codon 390 of the PLEC protein (p.Pro390Leu).

Revvity Omics, Revvity
Classification: Uncertain significance. Last evaluated: 2021-07-06. Review status: criteria provided, single submitter. Criteria: ACMG Guidelines, 2015. Collection method: clinical testing. Allele origin: germline.